The following is an entry in ClinVar:

ClinVar aggregate classification (germline): Uncertain significance (1 of 4 stars; one submission).

Conditions:
Hereditary cancer-predisposing syndrome. Also called: Tumor predisposition; Neoplastic Syndromes, Hereditary; Hereditary neoplastic syndrome; Hereditary Cancer Syndrome. Identifiers: Orphanet 140162, MedGen C0027672, MeSH D009386, MONDO:0015356.

Submission:

Ambry Genetics
Classification: Uncertain significance for Hereditary cancer-predisposing syndrome. Last evaluated: 2024-08-23. Review status: criteria provided, single submitter. Criteria: Ambry Variant Classification Scheme 2023. Collection method: clinical testing. Allele origin: germline.
Comment: The p.H134R variant (also known as c.401A>G), located in coding exon 5 of the SDHC gene, results from an A to G substitution at nucleotide position 401. The histidine at codon 134 is replaced by arginine, an amino acid with highly similar properties. This amino acid position is highly conserved in available vertebrate species. In addition, this alteration is predicted to be deleterious by in silico analysis. Based on the available evidence, the clinical significance of this variant remains unclear.

NM_003001.5(SDHC):c.401A>G (p.His134Arg)

Gene: SDHC (succinate dehydrogenase complex subunit C; plus strand). Cytogenetic location: 1q23.3.
Variant type: single nucleotide variant.
Coding change: c.401A>G on transcript NM_003001.5 (MANE Select); coding-DNA position 401, A replaced by G.
Protein change: p.His134Arg; replaces histidine 134 with arginine.
Molecular consequence: missense variant. On other transcripts: non-coding transcript variant (1), intron variant (3).
Genome position (GRCh38, 1-based): chr1:161,356,836, A>G. VCF-style: chr1-161356836-A-G. GRCh37 (hg19) VCF-style: chr1-161326626-A-G.
Other names: c.299A>G, p.His100Arg (NM_001035512.3); c.242A>G, p.His81Arg (NM_001035513.3); c.521A>G, p.His174Arg (NM_001407115.1); c.344A>G, p.His115Arg (NM_001407116.1); c.338A>G, p.His113Arg (NM_001407117.1); c.293A>G, p.His98Arg (NM_001407118.1); c.290A>G, p.His97Arg (NM_001407119.1, NM_001407120.1); c.242-5493A>G (NM_001035511.3); and 2 more; short protein forms H174R, H97R, H81R, H100R, H113R, H115R, H98R, H134R.
Identifiers: ClinVar variation 3438779 (VCV003438779.1).